The following is an entry in ClinVar:

ClinVar aggregate classification (germline): Conflicting classifications of pathogenicity. Review status: criteria provided, conflicting classifications (1 of 4 stars). 3 submissions from 3 submitters: Pathogenic (1); Likely pathogenic (1); Uncertain significance (1). Last evaluated 2023-10-09.

Conditions:
Retinitis pigmentosa (RP). Identifiers: Orphanet 791, MedGen C0035334, MeSH D012174, MONDO:0019200, OMIM 268000. Inheritance: Autosomal dominant, autosomal recessive and X linked inheritance.

Allele frequency attached by ClinVar (database versions not stated): gnomAD 0.00001; TOPMed 0.00002.

Submissions (3):

Labcorp Genetics (formerly Invitae), Labcorp
Classification: Pathogenic. Last evaluated: 2023-10-09. Review status: criteria provided, single submitter. Criteria: Invitae Variant Classification Sherloc (09022015). Collection method: clinical testing. Allele origin: germline.
Comment: This sequence change replaces arginine, which is basic and polar, with tryptophan, which is neutral and slightly polar, at codon 151 of the RLBP1 protein (p.Arg151Trp). This variant is not present in population databases (gnomAD no frequency). This missense change has been observed in individual(s) with RLBP1- related conditions (PMID: 14718298, 19339744). In at least one individual the data is consistent with being in trans (on the opposite chromosome) from a pathogenic variant. It has also been observed to segregate with disease in related individuals. ClinVar contains an entry for this variant (Variation ID: 2501066). Advanced modeling of protein sequence and biophysical properties (such as structural, functional, and spatial information, amino acid conservation, physicochemical variation, residue mobility, and thermodynamic stability) has been performed at Invitae for this missense variant, however the output from this modeling did not meet the statistical confidence thresholds required to predict the impact of this variant on RLBP1 protein function. This variant disrupts the p.Arg151 amino acid residue in RLBP1. Other variant(s) that disrupt this residue have been determined to be pathogenic (PMID: 9326942, 11453974). This suggests that this residue is clinically significant, and that variants that disrupt this residue are likely to be disease-causing. For these reasons, this variant has been classified as Pathogenic.

Women's Health and Genetics/Laboratory Corporation of America, LabCorp
Classification: Likely pathogenic for Retinitis pigmentosa. Last evaluated: 2023-03-14. Review status: criteria provided, single submitter. Criteria: LabCorp Variant Classification Summary - May 2015. Collection method: clinical testing. Allele origin: germline.
Comment: Variant summary: RLBP1 c.451C>T (p.Arg151Trp) results in a non-conservative amino acid change located in the CRAL-TRIO lipid binding domain (IPR001251) of the encoded protein sequence. Five of five in-silico tools predict a damaging effect of the variant on protein function. The variant was absent in 251486 control chromosomes. c.451C>T has been reported in the literature as biallelic homozygous or compound heterozygous genotypes in individuals affected with features of Retinitis Pigmentosa (example, Fishman_2004, Singh_2009). These data indicate that the variant is likely to be associated with disease. To our knowledge, no experimental evidence demonstrating an impact on protein function has been reported. No clinical diagnostic laboratories have submitted clinical-significance assessments for this variant to ClinVar after 2014. Based on the evidence outlined above, the variant was classified as likely pathogenic.

Blueprint Genetics
Classification: Uncertain significance. Last evaluated: 2022-06-20. Review status: criteria provided, single submitter. Criteria: ACMG Guidelines, 2015. Collection method: clinical testing. Allele origin: germline.

Literature cited by the submitters: PubMed 14718298 (cited by Labcorp Genetics (formerly Invitae), Labcorp and Women's Health and Genetics/Laboratory Corporation of America, LabCorp); PubMed 19339744 (cited by Labcorp Genetics (formerly Invitae), Labcorp and Women's Health and Genetics/Laboratory Corporation of America, LabCorp); PubMed 9326942 (cited by Labcorp Genetics (formerly Invitae), Labcorp); PubMed 11453974 (cited by Labcorp Genetics (formerly Invitae), Labcorp); PubMed 36247817 (cited by Women's Health and Genetics/Laboratory Corporation of America, LabCorp).

NM_000326.5(RLBP1):c.451C>T (p.Arg151Trp)

Gene: RLBP1 (retinaldehyde binding protein 1; minus strand). Cytogenetic location: 15q26.1.
Variant type: single nucleotide variant.
Coding change: c.451C>T on transcript NM_000326.5 (MANE Select); coding-DNA position 451, C replaced by T.
Protein change: p.Arg151Trp; replaces arginine 151 with tryptophan.
Molecular consequence: missense variant.
Genome position (GRCh38, 1-based): chr15:89,215,134, G>A on the plus strand (C>T on the coding strand, the complement: RLBP1 is on the minus strand). VCF-style: chr15-89215134-G-A. GRCh37 (hg19) VCF-style: chr15-89758365-G-A.
Other names: short protein forms R151W.
Identifiers: ClinVar variation 2501066 (VCV002501066.5), dbSNP rs764825249, ClinGen allele CA393729839.
Genomic context (GRCh38, chr15:89,215,134, plus strand): 5'-TTTCTTGACTTTGCCAGTTCTCAATGTTGAAGAGCATGACCACTCGGCCATACTTGTCCC[G>A]ACTAGAGAGGACACCAGGGTAGCCAGCTTCAATGGTGCAGCGGACAGCCTCTGGGGACAG-3'
Protein context (NP_000317.1, residues 141-161): EAGYPGVLSS[Arg151Trp]DKYGRVVMLF